The following is an entry in ClinVar:

ClinVar aggregate classification (germline): Uncertain significance (1 of 4 stars; one submission).

Conditions:
Intellectual disability. Also called: Intellectual developmental disorder; Intellectual functioning disability; intellectual disabilities. Identifiers: MedGen C3714756, MeSH D008607, MONDO:0001071, HP:0001249.
Seizure. Also called: Seizures. Identifiers: MedGen C0036572, HP:0001250.

Submission:

Institute of Human Genetics, University of Leipzig Medical Center
Classification: Uncertain significance for Intellectual disability; Seizure. Last evaluated: 2022-04-22. Review status: criteria provided, single submitter. Criteria: ACMG Guidelines, 2015. Collection method: research. Allele origin: de novo. Affected: yes.
Comment: This variant was identified as de novo.

Literature cited by the submitters: DOI doi.org/10.1101/2022.04.20.22274073; DOI doi.

NM_004603.4(STX1A):c.236T>G (p.Met79Arg)

Gene: STX1A (syntaxin 1A; minus strand). Cytogenetic location: 7q11.23.
Variant type: single nucleotide variant.
Coding change: c.236T>G on transcript NM_004603.4 (MANE Select); coding-DNA position 236, T replaced by G.
Protein change: p.Met79Arg; replaces methionine 79 with arginine.
Molecular consequence: missense variant.
Genome position (GRCh38, 1-based): chr7:73,705,197, A>C on the plus strand (T>G on the coding strand, the complement: STX1A is on the minus strand). VCF-style: chr7-73705197-A-C. GRCh37 (hg19) VCF-style: chr7-73119527-A-C.
Other names: c.236T>G, p.Met79Arg (NM_001165903.2); short protein forms M79R.
Identifiers: ClinVar variation 1679133 (VCV001679133.1), dbSNP rs782043152, ClinGen allele CA367836275.